The following is an entry in ClinVar:

NM_006231.4(POLE):c.4307G>C (p.Arg1436Pro)

Gene: POLE (DNA polymerase epsilon, catalytic subunit; minus strand). Cytogenetic location: 12q24.33.
Variant type: single nucleotide variant.
Coding change: c.4307G>C on transcript NM_006231.4 (MANE Select); coding-DNA position 4307, G replaced by C.
Protein change: p.Arg1436Pro; replaces arginine 1436 with proline.
Molecular consequence: missense variant.
Genome position (GRCh38, 1-based): chr12:132,643,544, C>G on the plus strand (G>C on the coding strand, the complement: POLE is on the minus strand). VCF-style: chr12-132643544-C-G. GRCh37 (hg19) VCF-style: chr12-133220130-C-G.
Other names: short protein forms R1436P.
Identifiers: ClinVar variation 572662 (VCV000572662.12), dbSNP rs754518522, ClinGen allele CA387381552.

ClinVar aggregate classification (germline): Uncertain significance. Review status: criteria provided, multiple submitters, no conflicts (2 of 4 stars). 2 submissions from 2 submitters: Uncertain significance (2). Last evaluated 2025-11-04.

Conditions:
Hereditary cancer-predisposing syndrome. Also called: Neoplastic Syndromes, Hereditary; Hereditary Cancer Syndrome; Tumor predisposition; Hereditary neoplastic syndrome. Identifiers: Orphanet 140162, MedGen C0027672, MeSH D009386, MONDO:0015356.

Submissions (2):

Labcorp Genetics (formerly Invitae), Labcorp
Classification: Uncertain significance. Last evaluated: 2025-11-04. Review status: criteria provided, single submitter. Criteria: Invitae Variant Classification Sherloc (09022015). Collection method: clinical testing. Allele origin: germline.
Comment: This sequence change replaces arginine, which is basic and polar, with proline, which is neutral and non-polar, at codon 1436 of the POLE protein (p.Arg1436Pro). This variant is not present in population databases (gnomAD no frequency). This variant has not been reported in the literature in individuals affected with POLE-related conditions. ClinVar contains an entry for this variant (Variation ID: 572662). Invitae Evidence Modeling of protein sequence and biophysical properties (such as structural, functional, and spatial information, amino acid conservation, physicochemical variation, residue mobility, and thermodynamic stability) indicates that this missense variant is expected to disrupt POLE protein function with a positive predictive value of 80%. In summary, the available evidence is currently insufficient to determine the role of this variant in disease. Therefore, it has been classified as a Variant of Uncertain Significance.

Ambry Genetics
Classification: Uncertain significance for Hereditary cancer-predisposing syndrome. Last evaluated: 2024-12-28. Review status: criteria provided, single submitter. Criteria: Ambry Variant Classification Scheme 2023. Collection method: clinical testing. Allele origin: germline.
Comment: The p.R1436P variant (also known as c.4307G>C), located in coding exon 34 of the POLE gene, results from a G to C substitution at nucleotide position 4307. The arginine at codon 1436 is replaced by proline, an amino acid with dissimilar properties. This amino acid position is highly conserved in available vertebrate species. In addition, this alteration is predicted to be deleterious by in silico analysis. Based on the available evidence, the clinical significance of this variant remains unclear.